The following is an entry in ClinVar:

ClinVar aggregate classification (germline): Uncertain significance. Review status: criteria provided, multiple submitters, no conflicts (2 of 4 stars). 2 submissions from 2 submitters: Uncertain significance (2). Last evaluated 2024-04-20.

Conditions:
Inborn genetic diseases. Identifiers: MedGen C0950123, MeSH D030342.

Submissions (2):

Labcorp Genetics (formerly Invitae), Labcorp
Classification: Uncertain significance. Last evaluated: 2024-04-20. Review status: criteria provided, single submitter. Criteria: Invitae Variant Classification Sherloc (09022015). Collection method: clinical testing. Allele origin: germline.
Comment: This sequence change replaces asparagine, which is neutral and polar, with serine, which is neutral and polar, at codon 580 of the FOXP1 protein (p.Asn580Ser). This variant is not present in population databases (gnomAD no frequency). This variant has not been reported in the literature in individuals affected with FOXP1-related conditions. ClinVar contains an entry for this variant (Variation ID: 2231434). Advanced modeling of protein sequence and biophysical properties (such as structural, functional, and spatial information, amino acid conservation, physicochemical variation, residue mobility, and thermodynamic stability) performed at Invitae indicates that this missense variant is not expected to disrupt FOXP1 protein function with a negative predictive value of 95%. In summary, the available evidence is currently insufficient to determine the role of this variant in disease. Therefore, it has been classified as a Variant of Uncertain Significance.

Ambry Genetics
Classification: Uncertain significance for Inborn genetic diseases. Last evaluated: 2021-05-19. Review status: criteria provided, single submitter. Criteria: Ambry Variant Classification Scheme 2023. Collection method: clinical testing. Allele origin: germline.

NM_001349338.3(FOXP1):c.1739A>G (p.Asn580Ser)

Gene: FOXP1 (forkhead box P1; minus strand). Cytogenetic location: 3p13.
Variant type: single nucleotide variant.
Coding change: c.1739A>G on transcript NM_001349338.3 (MANE Select); coding-DNA position 1739, A replaced by G.
Protein change: p.Asn580Ser; replaces asparagine 580 with serine.
Molecular consequence: missense variant. On other transcripts: non-coding transcript variant (2).
Genome position (GRCh38, 1-based): chr3:70,966,040, T>C on the plus strand (A>G on the coding strand, the complement: FOXP1 is on the minus strand). VCF-style: chr3-70966040-T-C. GRCh37 (hg19) VCF-style: chr3-71015191-T-C.
Other names: c.1736A>G, p.Asn579Ser (NM_001244808.3, NM_001349341.3); c.1787A>G, p.Asn596Ser (NM_001244810.2); c.1511A>G, p.Asn504Ser (NM_001244812.3); c.1439A>G, p.Asn480Ser (NM_001244813.3, NM_001244815.2, NM_001349342.3); c.1739A>G, p.Asn580Ser (NM_001244814.3, NM_001244816.2, NM_001349340.3 and 1 more transcripts); c.1436A>G, p.Asn479Ser (NM_001349337.2, NM_001349343.3, NM_001349344.3 and 1 more transcripts); short protein forms N480S, N579S, N479S, N504S, N580S, N596S.
Identifiers: ClinVar variation 2231434 (VCV002231434.4), dbSNP rs1038860326, ClinGen allele CA76519878.